The following is an entry in ClinVar:

NM_025074.7(FRAS1):c.5274T>C (p.Tyr1758=)

Gene: FRAS1 (Fraser extracellular matrix complex subunit 1; plus strand). Cytogenetic location: 4q21.21.
Variant type: single nucleotide variant.
Coding change: c.5274T>C on transcript NM_025074.7 (MANE Select); coding-DNA position 5274, T replaced by C.
Protein change: p.Tyr1758=; no amino-acid change (tyrosine 1758 retained).
Molecular consequence: synonymous variant.
Genome position (GRCh38, 1-based): chr4:78,438,626, T>C. VCF-style: chr4-78438626-T-C. GRCh37 (hg19) VCF-style: chr4-79359780-T-C.
Other names: c.5274T>C (NM_025074.6); c.5274T>C, p.Tyr1758= (NM_001166133.2).
Identifiers: ClinVar variation 1642313 (VCV001642313.9), dbSNP rs373255053, ClinGen allele CA2977477.

ClinVar aggregate classification (germline): Benign/Likely benign. Review status: criteria provided, multiple submitters, no conflicts (2 of 4 stars). 2 submissions from 2 submitters: Benign (1); Likely benign (1). Last evaluated 2026-01-18.

Conditions:
FRAS1-related disorder. Also called: FRAS1-related condition.

Allele frequency attached by ClinVar (database versions not stated): gnomAD exomes 0.00008 and 0.00020; gnomAD 0.00011 and 0.00012; TOPMed 0.00015; ESP Exome Variant Server 0.00017; ExAC 0.00021.
gnomAD v4.1: 150 of 1,613,708 alleles (0.0093%); highest among the groups gnomAD compares: Non-Finnish European, 0.0014%; 1 homozygote.

Submissions (2):

Labcorp Genetics (formerly Invitae), Labcorp
Classification: Benign. Last evaluated: 2026-01-18. Review status: criteria provided, single submitter. Criteria: Invitae Variant Classification Sherloc (09022015). Collection method: clinical testing. Allele origin: germline.

PreventionGenetics, part of Exact Sciences
Classification: Likely benign for FRAS1-related condition. Last evaluated: 2025-03-10. Review status: criteria provided, single submitter. Criteria: ACMG Guidelines, 2015. Collection method: clinical testing. Allele origin: germline.
Comment: This variant is classified as likely benign based on ACMG/AMP sequence variant interpretation guidelines (Richards et al. 2015 PMID: 25741868, with internal and published modifications).